The following is an entry in ClinVar:

ClinVar aggregate classification (germline): Uncertain significance. Review status: criteria provided, multiple submitters, no conflicts (2 of 4 stars). 2 submissions from 2 submitters: Uncertain significance (2). Last evaluated 2024-10-28.

Conditions:
Hereditary cancer-predisposing syndrome. Also called: Tumor predisposition; Hereditary Cancer Syndrome; Neoplastic Syndromes, Hereditary; Hereditary neoplastic syndrome. Identifiers: Orphanet 140162, MedGen C0027672, MeSH D009386, MONDO:0015356.

gnomAD v4.1: 1 of 1,613,946 alleles (0.000062%); highest among the groups gnomAD compares: Non-Finnish European, 0.000085%; no homozygotes.

Submissions (2):

Labcorp Genetics (formerly Invitae), Labcorp
Classification: Uncertain significance. Last evaluated: 2024-10-28. Review status: criteria provided, single submitter. Criteria: Invitae Variant Classification Sherloc (09022015). Collection method: clinical testing. Allele origin: germline.
Comment: This sequence change replaces proline, which is neutral and non-polar, with leucine, which is neutral and non-polar, at codon 1079 of the MSH3 protein (p.Pro1079Leu). This variant is not present in population databases (gnomAD no frequency). This variant has not been reported in the literature in individuals affected with MSH3-related conditions. ClinVar contains an entry for this variant (Variation ID: 823250). An algorithm developed to predict the effect of missense changes on protein structure and function (PolyPhen-2) suggests that this variant is likely to be disruptive. In summary, the available evidence is currently insufficient to determine the role of this variant in disease. Therefore, it has been classified as a Variant of Uncertain Significance.

Ambry Genetics
Classification: Uncertain significance for Hereditary cancer-predisposing syndrome. Last evaluated: 2023-12-11. Review status: criteria provided, single submitter. Criteria: Ambry Variant Classification Scheme 2023. Collection method: clinical testing. Allele origin: germline.
Comment: The p.P1079L variant (also known as c.3236C>T), located in coding exon 23 of the MSH3 gene, results from a C to T substitution at nucleotide position 3236. The proline at codon 1079 is replaced by leucine, an amino acid with similar properties. This amino acid position is highly conserved in available vertebrate species. In addition, this alteration is predicted to be deleterious by in silico analysis. Since supporting evidence is limited at this time, the clinical significance of this alteration remains unclear.

NM_002439.5(MSH3):c.3236C>T (p.Pro1079Leu)

Gene: MSH3 (mutS homolog 3; plus strand). Cytogenetic location: 5q14.1.
Variant type: single nucleotide variant.
Coding change: c.3236C>T on transcript NM_002439.5 (MANE Select); coding-DNA position 3236, C replaced by T.
Protein change: p.Pro1079Leu; replaces proline 1079 with leucine.
Molecular consequence: missense variant.
Genome position (GRCh38, 1-based): chr5:80,873,221, C>T. VCF-style: chr5-80873221-C-T. GRCh37 (hg19) VCF-style: chr5-80169040-C-T.
Other names: short protein forms P1079L.
Identifiers: ClinVar variation 823250 (VCV000823250.13), dbSNP rs750781725, ClinGen allele CA121753095.